The following is an entry in ClinVar:

ClinVar aggregate classification (germline): Uncertain significance (1 of 4 stars; one submission).

Conditions:
Familial cancer of breast. Also called: hereditary breast carcinoma; Hereditary breast cancer; BREAST CANCER, FAMILIAL. Identifiers: Orphanet 227535, MedGen C0346153, MONDO:0016419, OMIM 114480. Disease mechanism: loss of function.

Submission:

Labcorp Genetics (formerly Invitae), Labcorp
Classification: Uncertain significance for Familial cancer of breast. Last evaluated: 2020-12-10. Review status: criteria provided, single submitter. Criteria: Invitae Variant Classification Sherloc (09022015). Collection method: clinical testing. Allele origin: germline.
Comment: In summary, the available evidence is currently insufficient to determine the role of this variant in disease. Therefore, it has been classified as a Variant of Uncertain Significance. Algorithms developed to predict the effect of missense changes on protein structure and function output the following: SIFT: "Tolerated"; PolyPhen-2: "Benign"; Align-GVGD: "Class C0". The serine amino acid residue is found in multiple mammalian species, suggesting that this missense change does not adversely affect protein function. These predictions have not been confirmed by published functional studies and their clinical significance is uncertain. This variant has not been reported in the literature in individuals with BARD1-related conditions. This variant is not present in population databases (ExAC no frequency). This sequence change replaces glycine with serine at codon 393 of the BARD1 protein (p.Gly393Ser). The glycine residue is moderately conserved and there is a small physicochemical difference between glycine and serine.

NM_000465.4(BARD1):c.1177G>A (p.Gly393Ser)

Gene: BARD1 (BRCA1 associated RING domain 1; minus strand). Cytogenetic location: 2q35.
Variant type: single nucleotide variant.
Coding change: c.1177G>A on transcript NM_000465.4 (MANE Select); coding-DNA position 1177, G replaced by A.
Protein change: p.Gly393Ser; replaces glycine 393 with serine.
Molecular consequence: missense variant. On other transcripts: non-coding transcript variant (2), intron variant (3).
Genome position (GRCh38, 1-based): chr2:214,780,697, C>T on the plus strand (G>A on the coding strand, the complement: BARD1 is on the minus strand). VCF-style: chr2-214780697-C-T. GRCh37 (hg19) VCF-style: chr2-215645421-C-T.
Other names: c.1120G>A, p.Gly374Ser (NM_001282543.2); c.159-28142G>A (NM_001282548.2); c.215+16364G>A (NM_001282545.2); c.364+11600G>A (NM_001282549.2); short protein forms G393S, G374S.
Identifiers: ClinVar variation 1355500 (VCV001355500.9), dbSNP rs1553622207, ClinGen allele CA350453854.